The following is an entry in ClinVar:

NM_001111067.4(ACVR1):c.259C>A (p.Pro87Thr)

Gene: ACVR1 (activin A receptor type 1; minus strand). Cytogenetic location: 2q24.1.
Variant type: single nucleotide variant.
Coding change: c.259C>A on transcript NM_001111067.4 (MANE Select); coding-DNA position 259, C replaced by A.
Protein change: p.Pro87Thr; replaces proline 87 with threonine.
Molecular consequence: missense variant.
Genome position (GRCh38, 1-based): chr2:157,780,409, G>T on the plus strand (C>A on the coding strand, the complement: ACVR1 is on the minus strand). VCF-style: chr2-157780409-G-T. GRCh37 (hg19) VCF-style: chr2-158636921-G-T.
Other names: c.259C>A, p.Pro87Thr (NM_001105.5, NM_001347663.1, NM_001347664.1 and 3 more transcripts); short protein forms P87T.
Identifiers: ClinVar variation 2370050 (VCV002370050.5), dbSNP rs1686461170, ClinGen allele CA349193577.
Genomic context (GRCh38, chr2:157,780,409, plus strand): 5'-GCTGGGCCGTGATGTTCCTGTTACACCAGTCCCCTTGGCAGCACTCCACGGCTTGGCCAG[G>T]GGACGGCGGGGTCTTACAGGTCATCTTTCCCTGCTCATAAACCTGGAAGCAGCCTTTCTG-3'
Protein context (NP_001104537.1, residues 77-97): GKMTCKTPPS[Pro87Thr]GQAVECCQGD

ClinVar aggregate classification (germline): Uncertain significance. Review status: criteria provided, multiple submitters, no conflicts (2 of 4 stars). 2 submissions from 2 submitters: Uncertain significance (2). Last evaluated 2025-12-10.

Conditions:
Inborn genetic diseases. Identifiers: MedGen C0950123, MeSH D030342.

Allele frequency attached by ClinVar (database versions not stated): gnomAD exomes below 0.00001; TOPMed below 0.00001.
gnomAD v4.1: 2 of 1,614,190 alleles (0.00012%); highest among the groups gnomAD compares: Admixed American, 0.0033%; no homozygotes.

Submissions (2):

Labcorp Genetics (formerly Invitae), Labcorp
Classification: Uncertain significance. Last evaluated: 2025-12-10. Review status: criteria provided, single submitter. Criteria: Invitae Variant Classification Sherloc (09022015). Collection method: clinical testing. Allele origin: germline.
Comment: This sequence change replaces proline, which is neutral and non-polar, with threonine, which is neutral and polar, at codon 87 of the ACVR1 protein (p.Pro87Thr). This variant is not present in population databases (gnomAD no frequency). This variant has not been reported in the literature in individuals affected with ACVR1-related conditions. ClinVar contains an entry for this variant (Variation ID: 2370050). An algorithm developed to predict the effect of missense changes on protein structure and function (PolyPhen-2) suggests that this variant is likely to be tolerated. In summary, the available evidence is currently insufficient to determine the role of this variant in disease. Therefore, it has been classified as a Variant of Uncertain Significance.

Ambry Genetics
Classification: Uncertain significance for Inborn genetic diseases. Last evaluated: 2025-06-03. Review status: criteria provided, single submitter. Criteria: Ambry Variant Classification Scheme 2023. Collection method: clinical testing. Allele origin: germline.